The following is an entry in ClinVar:

ClinVar aggregate classification (germline): Likely benign (0 of 4 stars; one submission).

Conditions:
BTN2A2-related disorder. Also called: BTN2A2-related condition.

Allele frequency attached by ClinVar (database versions not stated): ExAC 0.00023; ESP Exome Variant Server 0.00023; gnomAD 0.00032; gnomAD exomes 0.00034; TOPMed 0.00037; 1000 Genomes Project 0.00040; 1000 Genomes Project 30x 0.00047.
gnomAD v4.1: 555 of 1,614,188 alleles (0.034%); highest among the groups gnomAD compares: Admixed American, 0.078%; 1 homozygote.

Submission:

PreventionGenetics, part of Exact Sciences
Classification: Likely benign for BTN2A2-related condition. Last evaluated: 2019-07-12. Review status: no assertion criteria provided. Collection method: clinical testing. Allele origin: germline.
Comment: This variant is classified as likely benign based on ACMG/AMP sequence variant interpretation guidelines (Richards et al. 2015 PMID: 25741868, with internal and published modifications).

NM_006995.5(BTN2A2):c.354C>T (p.Asn118=)

Gene: BTN2A2 (butyrophilin subfamily 2 member A2; plus strand). Cytogenetic location: 6p22.2.
Variant type: single nucleotide variant.
Coding change: c.354C>T on transcript NM_006995.5 (MANE Select); coding-DNA position 354, C replaced by T.
Protein change: p.Asn118=; no amino-acid change (asparagine 118 retained).
Molecular consequence: synonymous variant. On other transcripts: intron variant (2).
Genome position (GRCh38, 1-based): chr6:26,385,274, C>T. VCF-style: chr6-26385274-C-T. GRCh37 (hg19) VCF-style: chr6-26385502-C-T.
Other names: c.354C>T, p.Asn118= (NM_001197237.2, NM_001197238.2, NM_001197240.2); c.94+1359C>T (NM_181531.3, NM_001197239.2).
Identifiers: ClinVar variation 3049587 (VCV003049587.2), dbSNP rs143017993, ClinGen allele CA3672371.
Genomic context (GRCh38, chr6:26,385,274, plus strand): 5'-AAGAATCACCTTTGTGAGCAAAGACATCAACAGGGGCAGCGTGGCCCTGGTCATACATAA[C>T]GTCACAGCCCAGGAGAATGGGATCTACCGCTGTTACTTCCAAGAAGGCAGGTCCTACGAT-3'
Protein context (NP_008926.2, residues 108-128): NRGSVALVIH[Asn118=]VTAQENGIYR